The following is an entry in ClinVar:

NM_001035.3(RYR2):c.5835C>T (p.Asn1945=)

Gene: RYR2 (ryanodine receptor 2; plus strand). Cytogenetic location: 1q43.
Variant type: single nucleotide variant.
Coding change: c.5835C>T on transcript NM_001035.3 (MANE Select); coding-DNA position 5835, C replaced by T.
Protein change: p.Asn1945=; no amino-acid change (asparagine 1945 retained).
Molecular consequence: synonymous variant.
Genome position (GRCh38, 1-based): chr1:237,617,405, C>T. VCF-style: chr1-237617405-C-T. GRCh37 (hg19) VCF-style: chr1-237780705-C-T.
Other names: c.5835C>T, p.Asn1945= (LRG_402t1).
Identifiers: ClinVar variation 516599 (VCV000516599.27), dbSNP rs189299988, ClinGen allele CA086982.
Genomic context (GRCh38, chr1:237,617,405, plus strand): 5'-TGTAGCCTTTTCAGATGATTTTGTGGCTAAGCTCCAAGACAATCAACGTTTCCGATACAA[C>T]GAAGTCATGCAAGCCTTAAACATGTCAGCTGCACTCACAGCCAGGAAGACAAAGGAATTT-3'
Protein context (NP_001026.2, residues 1935-1955): KLQDNQRFRY[Asn1945=]EVMQALNMSA

ClinVar aggregate classification (germline): Benign/Likely benign. Review status: criteria provided, multiple submitters, no conflicts (2 of 4 stars). 7 submissions from 7 submitters: Benign (1); Likely benign (6). Last evaluated 2026-08-01.

Conditions:
Cardiovascular phenotype. Identifiers: MedGen CN230736.
Catecholaminergic polymorphic ventricular tachycardia (CVPT). Also called: Catecholamine-induced polymorphic ventricular tachycardia. Identifiers: Orphanet 3286, MedGen C5574922, MONDO:0017990.
Catecholaminergic polymorphic ventricular tachycardia 1. Also called: VENTRICULAR TACHYCARDIA, STRESS-INDUCED POLYMORPHIC 1; RYR2-Related Catecholaminergic Polymorphic Ventricular Tachycardia; VENTRICULAR TACHYCARDIA, CATECHOLAMINERGIC POLYMORPHIC, 1, WITH OR WITHOUT ATRIAL DYSFUNCTION AND/OR DILATED CARDIOMYOPATHY. Identifiers: Orphanet 3286, MedGen C1631597, MONDO:0011484, OMIM 604772.
Cardiomyopathy (CMYO). Also called: Cardiomyopathies. Identifiers: Orphanet 167848, MedGen C0878544, MONDO:0004994, HP:0001638. Inheritance: Various modes of inheritance.

Allele frequency attached by ClinVar (database versions not stated): gnomAD exomes 0.00004 and 0.00005; TOPMed 0.00004; gnomAD 0.00006 and 0.00007; ExAC 0.00007; 1000 Genomes Project 30x 0.00016; 1000 Genomes Project 0.00020.
gnomAD v4.1: 71 of 1,613,950 alleles (0.0044%); highest among the groups gnomAD compares: South Asian, 0.025%; no homozygotes.

Submissions (7):

CeGaT Center for Human Genetics Tuebingen
Classification: Likely benign. Last evaluated: 2026-08-01. Review status: criteria provided, single submitter. Criteria: CeGaT Center For Human Genetics Tuebingen Variant Classification Criteria Version 2. Collection method: clinical testing. Allele origin: germline. Affected: yes. Observed: 2 variant alleles.
Comment: RYR2: BP4, BP7

Labcorp Genetics (formerly Invitae), Labcorp
Classification: Likely benign for Catecholaminergic polymorphic ventricular tachycardia 1. Last evaluated: 2026-01-31. Review status: criteria provided, single submitter. Criteria: Invitae Variant Classification Sherloc (09022015). Collection method: clinical testing. Allele origin: germline.

Molecular Diagnostic Laboratory for Inherited Cardiovascular Disease, Montreal Heart Institute
Classification: Likely benign. Last evaluated: 2025-04-09. Review status: criteria provided, single submitter. Criteria: ACMG Guidelines, 2015. Collection method: clinical testing. Allele origin: germline. Affected: no.

All of Us Research Program, National Institutes of Health
Classification: Likely benign for Catecholaminergic polymorphic ventricular tachycardia. Last evaluated: 2023-12-13. Review status: criteria provided, single submitter. Criteria: ACMG Guidelines, 2015. Collection method: clinical testing. Allele origin: germline. Inheritance: Autosomal dominant inheritance. Observed: 4 variant alleles, 4 heterozygotes.
Comment: This study involves interpretation of variants in research participants for the purpose of population health screening. Participant phenotype was not available at the time of variant classification. Additional details can be found in publication PMID: 35346344, PMCID: PMC8962531

Ambry Genetics
Classification: Likely benign for Cardiovascular phenotype. Last evaluated: 2022-09-05. Review status: criteria provided, single submitter. Criteria: Ambry Variant Classification Scheme 2023. Collection method: clinical testing. Allele origin: germline.

Color Diagnostics, LLC DBA Color Health
Classification: Likely benign for Cardiomyopathy. Last evaluated: 2019-02-28. Review status: criteria provided, single submitter. Criteria: ACMG Guidelines, 2015. Collection method: clinical testing. Allele origin: germline.

GeneDx
Classification: Benign. Last evaluated: 2017-05-15. Review status: criteria provided, single submitter. Criteria: GeneDx Variant Classification (06012015). Collection method: clinical testing. Allele origin: germline. Affected: yes.
Comment: This variant is considered likely benign or benign based on one or more of the following criteria: it is a conservative change, it occurs at a poorly conserved position in the protein, it is predicted to be benign by multiple in silico algorithms, and/or has population frequency not consistent with disease.